The following is an entry in ClinVar:

ClinVar aggregate classification (germline): Likely benign. Review status: criteria provided, multiple submitters, no conflicts (2 of 4 stars). 2 submissions from 2 submitters: Likely benign (2). Last evaluated 2025-11-12.

Conditions:
Charcot-Marie-Tooth disease type 4. Also called: Charcot-Marie-Tooth disease, type IV; Charcot-Marie-Tooth, Type 4. Identifiers: Orphanet 64749, MedGen C4082197, MONDO:0018995.
PRX-related disorder. Also called: PRX-Related Disorders; PRX-related condition.

Allele frequency attached by ClinVar (database versions not stated): gnomAD 0.00001; gnomAD exomes 0.00001; TOPMed 0.00001.
gnomAD v4.1: 30 of 1,608,756 alleles (0.0019%); highest among the groups gnomAD compares: Non-Finnish European, 0.0024%; no homozygotes.

Submissions (2):

PreventionGenetics, part of Exact Sciences
Classification: Likely benign for PRX-related condition. Last evaluated: 2025-11-12. Review status: criteria provided, single submitter. Criteria: ACMG Guidelines, 2015. Collection method: clinical testing. Allele origin: germline.
Comment: This variant is classified as likely benign based on ACMG/AMP sequence variant interpretation guidelines (Richards et al. 2015 PMID: 25741868, with internal and published modifications).

Labcorp Genetics (formerly Invitae), Labcorp
Classification: Likely benign for Charcot-Marie-Tooth disease type 4. Last evaluated: 2025-04-11. Review status: criteria provided, single submitter. Criteria: Invitae Variant Classification Sherloc (09022015). Collection method: clinical testing. Allele origin: germline.

NM_181882.3(PRX):c.81C>T (p.Thr27=)

Genes: PRX (periaxin; minus strand), LOC130064454 (ATAC-STARR-seq lymphoblastoid active region 14650; plus strand). Cytogenetic location: 19q13.2.
Variant type: single nucleotide variant.
Coding change: c.81C>T on transcript NM_181882.3 (MANE Select); coding-DNA position 81, C replaced by T.
Protein change: p.Thr27=; no amino-acid change (threonine 27 retained).
Molecular consequence: synonymous variant.
Genome position (GRCh38, 1-based): chr19:40,403,809, G>A on the plus strand (C>T on the coding strand, the complement: PRX is on the minus strand). VCF-style: chr19-40403809-G-A. GRCh37 (hg19) VCF-style: chr19-40909716-G-A.
Other names: c.81C>T, p.Thr27= (NM_020956.2).
Identifiers: ClinVar variation 699449 (VCV000699449.11), dbSNP rs988404691, ClinGen allele CA308426119.